The following is an entry in ClinVar:

NM_017617.5(NOTCH1):c.5751C>A (p.Gly1917=)

Gene: NOTCH1 (notch receptor 1; minus strand). Cytogenetic location: 9q34.3.
Variant type: single nucleotide variant.
Coding change: c.5751C>A on transcript NM_017617.5 (MANE Select); coding-DNA position 5751, C replaced by A.
Protein change: p.Gly1917=; no amino-acid change (glycine 1917 retained).
Molecular consequence: synonymous variant.
Genome position (GRCh38, 1-based): chr9:136,500,735, G>T on the plus strand (C>A on the coding strand, the complement: NOTCH1 is on the minus strand). VCF-style: chr9-136500735-G-T. GRCh37 (hg19) VCF-style: chr9-139395187-G-T.
Other names: c.5751C>A (NM_017617.4).
Identifiers: ClinVar variation 1541777 (VCV001541777.10), dbSNP rs752199771, ClinGen allele CA5340134.

ClinVar aggregate classification (germline): Likely benign. Review status: criteria provided, single submitter (1 of 4 stars). 2 submissions from 2 submitters: Likely benign (1). 1 of the submissions does not count toward it. Last evaluated 2025-10-01.

Conditions:
Adams-Oliver syndrome 5 (AOS5). Identifiers: Orphanet 974, MedGen C4014970, MONDO:0014459, OMIM 616028.
NOTCH1-related disorder. Also called: NOTCH1-related condition; NOTCH1-related disorders.

Allele frequency attached by ClinVar (database versions not stated): ExAC 0.00001.
gnomAD v4.1: 4 of 1,607,718 alleles (0.00025%); highest among the groups gnomAD compares: Non-Finnish European, 0.00034%; no homozygotes.

Submissions (2):

Labcorp Genetics (formerly Invitae), Labcorp
Classification: Likely benign for Adams-Oliver syndrome 5. Last evaluated: 2025-10-01. Review status: criteria provided, single submitter. Criteria: Invitae Variant Classification Sherloc (09022015). Collection method: clinical testing. Allele origin: germline.

PreventionGenetics, part of Exact Sciences
Classification: Likely benign for NOTCH1-related condition. Last evaluated: 2023-11-07. Review status: no assertion criteria provided. Collection method: clinical testing. Allele origin: germline. Not counted in ClinVar's aggregate classification.
Comment: This variant is classified as likely benign based on ACMG/AMP sequence variant interpretation guidelines (Richards et al. 2015 PMID: 25741868, with internal and published modifications).